The following is an entry in ClinVar:

ClinVar aggregate classification (germline): Benign/Likely benign. Review status: criteria provided, multiple submitters, no conflicts (2 of 4 stars). 6 submissions from 6 submitters: Benign (3); Likely benign (3). Last evaluated 2019-05-28.

Conditions:
Ovarian dysgenesis 2 (ODG2). Also called: OVARIAN DYSGENESIS, HYPERGONADOTROPIC, X-LINKED; OVARIAN FAILURE, HYPERGONADOTROPIC, DUE TO OVARIAN DYSGENESIS. Identifiers: Orphanet 243, MedGen C1845294, MONDO:0010349, OMIM 300510.

Allele frequency attached by ClinVar (database versions not stated): ExAC 0.01587; 1000 Genomes Project 0.03576; ESP Exome Variant Server 0.04205; TOPMed 0.03434; 1000 Genomes Project 30x 0.03642.
gnomAD v4.1: 7,190 of 1,205,757 alleles (0.6%); highest among the groups gnomAD compares: African/African-American, 11%; 295 homozygotes.

Submissions (6):

Mendelics
Classification: Benign for Ovarian dysgenesis 2. Last evaluated: 2019-05-28. Review status: criteria provided, single submitter. Criteria: Mendelics Assertion Criteria 2017. Collection method: clinical testing. Allele origin: unknown.

Illumina Laboratory Services, Illumina
Classification: Benign for Ovarian dysgenesis 2. Last evaluated: 2018-03-06. Review status: criteria provided, single submitter. Criteria: ICSL Variant Classification Criteria 13 December 2019. Collection method: clinical testing. Allele origin: germline.
Comment: This variant was observed in the ICSL laboratory as part of a predisposition screen in an ostensibly healthy population. It had not been previously curated by ICSL or reported in the Human Gene Mutation Database (HGMD: prior to June 1st, 2018), and was therefore a candidate for classification through an automated scoring system. Utilizing variant allele frequency, disease prevalence and penetrance estimates, and inheritance mode, an automated score was calculated to assess if this variant is too frequent to cause the disease. Based on the score and internal cut-off values, a variant classified as benign is not then subjected to further curation. The score for this variant resulted in a classification of benign for this disease.

Eurofins Ntd Llc (ga)
Classification: Likely benign. Last evaluated: 2018-01-24. Review status: criteria provided, single submitter. Criteria: EGL Classification Definitions 2015. Collection method: clinical testing. Allele origin: germline. Observed: 1 variant allele, 1 heterozygote.

GeneDx
Classification: Benign. Last evaluated: 2015-12-01. Review status: criteria provided, single submitter. Criteria: GeneDx Variant Classification (06012015). Collection method: clinical testing. Allele origin: germline. Affected: yes.
Comment: This variant is considered likely benign or benign based on one or more of the following criteria: it is a conservative change, it occurs at a poorly conserved position in the protein, it is predicted to be benign by multiple in silico algorithms, and/or has population frequency not consistent with disease.

Breakthrough Genomics
Classification: Likely benign. Review status: criteria provided, single submitter. Criteria: ACMG Guidelines, 2015. Collection method: not provided. Allele origin: germline. Inheritance: X-linked inheritance. Affected: yes.

PreventionGenetics, part of Exact Sciences
Classification: Likely benign. Review status: criteria provided, single submitter. Criteria: ACMG Guidelines, 2015. Collection method: clinical testing. Allele origin: germline.

NM_005448.2(BMP15):c.13A>C (p.Ser5Arg)

Gene: BMP15 (bone morphogenetic protein 15; plus strand). Cytogenetic location: Xp11.22.
Variant type: single nucleotide variant.
Coding change: c.13A>C on transcript NM_005448.2 (MANE Select); coding-DNA position 13, A replaced by C.
Protein change: p.Ser5Arg; replaces serine 5 with arginine.
Molecular consequence: missense variant.
Genome position (GRCh38, 1-based): chrX:50,910,796, A>C. VCF-style: chrX-50910796-A-C. GRCh37 (hg19) VCF-style: chrX-50653796-A-C.
Other names: short protein forms S5R.
Identifiers: ClinVar variation 259774 (VCV000259774.12), dbSNP rs113099187, ClinGen allele CA10416472.